The following is an entry in ClinVar:

NM_000143.4(FH):c.800C>T (p.Pro267Leu)

Gene: FH (fumarate hydratase; minus strand). Cytogenetic location: 1q43.
Variant type: single nucleotide variant.
Coding change: c.800C>T on transcript NM_000143.4 (MANE Select); coding-DNA position 800, C replaced by T.
Protein change: p.Pro267Leu; replaces proline 267 with leucine.
Molecular consequence: missense variant.
Genome position (GRCh38, 1-based): chr1:241,506,107, G>A on the plus strand (C>T on the coding strand, the complement: FH is on the minus strand). VCF-style: chr1-241506107-G-A. GRCh37 (hg19) VCF-style: chr1-241669407-G-A.
Other names: c.800C>T (NM_000143.3); short protein forms P267L.
Identifiers: ClinVar variation 1354406 (VCV001354406.9), dbSNP rs1415140301, ClinGen allele CA345438994.

ClinVar aggregate classification (germline): Uncertain significance. Review status: criteria provided, multiple submitters, no conflicts (2 of 4 stars). 2 submissions from 2 submitters: Uncertain significance (2). Last evaluated 2026-08-10.

Conditions:
Hereditary cancer-predisposing syndrome. Also called: Hereditary Cancer Syndrome; Neoplastic Syndromes, Hereditary; Hereditary neoplastic syndrome; Tumor predisposition. Identifiers: Orphanet 140162, MedGen C0027672, MeSH D009386, MONDO:0015356.

Allele frequency attached by ClinVar (database versions not stated): gnomAD 0.00001.

Submissions (2):

Ambry Genetics
Classification: Uncertain significance for Hereditary cancer-predisposing syndrome. Last evaluated: 2026-08-10. Review status: criteria provided, single submitter. Criteria: Ambry Variant Classification Scheme 2023. Collection method: clinical testing. Allele origin: germline.
Comment: The p.P267L variant (also known as c.800C>T), located in coding exon 6 of the FH gene, results from a C to T substitution at nucleotide position 800. The proline at codon 267 is replaced by leucine, an amino acid with similar properties. This amino acid position is conserved. In addition, this alteration is predicted to be deleterious by in silico analysis. Based on the available evidence, the clinical significance of this variant remains unclear.

Labcorp Genetics (formerly Invitae), Labcorp
Classification: Uncertain significance. Last evaluated: 2024-09-15. Review status: criteria provided, single submitter. Criteria: Invitae Variant Classification Sherloc (09022015). Collection method: clinical testing. Allele origin: germline.
Comment: This sequence change replaces proline, which is neutral and non-polar, with leucine, which is neutral and non-polar, at codon 267 of the FH protein (p.Pro267Leu). This variant is present in population databases (no rsID available, gnomAD 0.007%). This variant has not been reported in the literature in individuals affected with FH-related conditions. ClinVar contains an entry for this variant (Variation ID: 1354406). Invitae Evidence Modeling of protein sequence and biophysical properties (such as structural, functional, and spatial information, amino acid conservation, physicochemical variation, residue mobility, and thermodynamic stability) indicates that this missense variant is expected to disrupt FH protein function with a positive predictive value of 95%. In summary, the available evidence is currently insufficient to determine the role of this variant in disease. Therefore, it has been classified as a Variant of Uncertain Significance.